The following is an entry in ClinVar:

ClinVar aggregate classification (germline): Uncertain significance (1 of 4 stars; one submission).

gnomAD v4.1: 2 of 1,073,048 alleles (0.00019%); highest among the groups gnomAD compares: Non-Finnish European, 0.00028%; no homozygotes.

Submission:

GeneDx
Classification: Uncertain significance. Last evaluated: 2025-05-01. Review status: criteria provided, single submitter. Criteria: GeneDx Variant Classification Process June 2021. Collection method: clinical testing. Allele origin: germline. Affected: yes.
Comment: Not observed at significant frequency in large population cohorts (gnomAD); In silico analysis suggests that this missense variant does not alter protein structure/function; Has not been previously published as pathogenic or benign to our knowledge

NM_001270974.2(HYDIN):c.664C>A (p.Leu222Met)

Gene: HYDIN (HYDIN axonemal central pair apparatus protein; minus strand). Cytogenetic location: 16q22.2.
Variant type: single nucleotide variant.
Coding change: c.664C>A on transcript NM_001270974.2 (MANE Select); coding-DNA position 664, C replaced by A.
Protein change: p.Leu222Met; replaces leucine 222 with methionine.
Molecular consequence: missense variant.
Genome position (GRCh38, 1-based): chr16:71,162,583, G>T on the plus strand (C>A on the coding strand, the complement: HYDIN is on the minus strand). VCF-style: chr16-71162583-G-T. GRCh37 (hg19) VCF-style: chr16-71196486-G-T.
Other names: c.745C>A, p.Leu249Met (NM_001198542.1); c.715C>A, p.Leu239Met (NM_001198543.1); c.664C>A, p.Leu222Met (NM_017558.5); short protein forms L222M, L239M, L249M.
Identifiers: ClinVar variation 4527168 (VCV004527168.1).